The following is an entry in ClinVar:

ClinVar aggregate classification (germline): Likely pathogenic (0 of 4 stars; one submission).

Conditions:
Finnish congenital nephrotic syndrome (NPHS1). Also called: NEPHROTIC SYNDROME, TYPE 1. Identifiers: Orphanet 839, MedGen C0403399, MONDO:0009732, OMIM 256300.

Submission:

Juha Muilu Group; Institute for Molecular Medicine Finland (FIMM)
Classification: Likely pathogenic for Finnish congenital nephrotic syndrome. Review status: no assertion criteria provided. Collection method: not provided. Allele origin: unknown.
Comment: FinDis database variant: This variant was not found or characterized by our laboratory, data were collected from public sources: see reference
ClinVar note: Converted during submission from probable-pathogenic to Likely pathogenic.

NM_004646.4(NPHS1):c.2019C>A (p.Asn673Lys)

Gene: NPHS1 (NPHS1 adhesion molecule, nephrin; minus strand). Cytogenetic location: 19q13.12.
Variant type: single nucleotide variant.
Coding change: c.2019C>A on transcript NM_004646.4 (MANE Select); coding-DNA position 2019, C replaced by A.
Protein change: p.Asn673Lys; replaces asparagine 673 with lysine.
Molecular consequence: missense variant.
Genome position (GRCh38, 1-based): chr19:35,844,371, G>T on the plus strand (C>A on the coding strand, the complement: NPHS1 is on the minus strand). VCF-style: chr19-35844371-G-T. GRCh37 (hg19) VCF-style: chr19-36335273-G-T.
Other names: short protein forms N673K.
Identifiers: ClinVar variation 56458 (VCV000056458.2), dbSNP rs191807913, ClinGen allele CA250161.